The following is an entry in ClinVar:

ClinVar aggregate classification (germline): Uncertain significance (1 of 4 stars; one submission).

Submission:

Labcorp Genetics (formerly Invitae), Labcorp
Classification: Uncertain significance. Last evaluated: 2023-07-17. Review status: criteria provided, single submitter. Criteria: Invitae Variant Classification Sherloc (09022015). Collection method: clinical testing. Allele origin: germline.
Comment: This variant has not been reported in the literature in individuals affected with MOCS3-related conditions. In summary, the available evidence is currently insufficient to determine the role of this variant in disease. Therefore, it has been classified as a Variant of Uncertain Significance. Experimental studies and prediction algorithms are not available or were not evaluated, and the functional significance of this variant is currently unknown. ClinVar contains an entry for this variant (Variation ID: 1437032). This variant is present in population databases (rs745334123, gnomAD 0.02%). This sequence change creates a premature translational stop signal (p.Lys420Profs*2) in the MOCS3 gene. While this is not anticipated to result in nonsense mediated decay, it is expected to disrupt the last 41 amino acid(s) of the MOCS3 protein.

NM_014484.5(MOCS3):c.1258_1261del (p.Lys420fs)

Gene: MOCS3 (molybdenum cofactor synthesis 3; plus strand). Cytogenetic location: 20q13.13.
Variant type: Deletion.
Coding change: c.1258_1261del on transcript NM_014484.5 (MANE Select); coding-DNA positions 1258 to 1261, 4 bases deleted (AAAG; older notation c.1258_1261delAAAG).
Protein change: p.Lys420fs; shifts the reading frame from lysine 420.
Molecular consequence: frameshift variant.
Genome position (GRCh38, 1-based): chr20:50,960,100-50,960,103, AAAG deleted; deleting any 4 consecutive bases within chr20:50,960,098-50,960,103 gives the same sequence; the c. name uses the placement nearest the transcript's 3' end. VCF-style (leftmost placement, unchanged base first): chr20-50960097-CAGAA-C. GRCh37 (hg19) VCF-style: chr20-49576634-CAGAA-C.
Other names: short protein forms K420fs.
Identifiers: ClinVar variation 1437032 (VCV001437032.8), dbSNP rs745334123, ClinGen allele CA9909564.